The following is an entry in ClinVar:

NM_002230.4(JUP):c.1857C>T (p.Asp619=)

Gene: JUP (junction plakoglobin; minus strand). Cytogenetic location: 17q21.2.
Variant type: single nucleotide variant.
Coding change: c.1857C>T on transcript NM_002230.4 (MANE Select); coding-DNA position 1857, C replaced by T.
Protein change: p.Asp619=; no amino-acid change (aspartic acid 619 retained).
Molecular consequence: synonymous variant.
Genome position (GRCh38, 1-based): chr17:41,757,701, G>A on the plus strand (C>T on the coding strand, the complement: JUP is on the minus strand). VCF-style: chr17-41757701-G-A. GRCh37 (hg19) VCF-style: chr17-39913953-G-A.
Other names: c.1857C>T, p.Asp619= (NM_001352773.2, NM_001352774.2, NM_001352775.2 and 3 more transcripts).
Identifiers: ClinVar variation 415909 (VCV000415909.18), dbSNP rs782623854, ClinGen allele CA8565098.

ClinVar aggregate classification (germline): Likely benign. Review status: criteria provided, multiple submitters, no conflicts (2 of 4 stars). 3 submissions from 3 submitters: Likely benign (3). Last evaluated 2025-10-01.

Conditions:
Cardiovascular phenotype. Identifiers: MedGen CN230736.
Naxos disease (NXD). Also called: KERATOSIS PALMOPLANTARIS WITH ARRHYTHMOGENIC CARDIOMYOPATHY; MAL DE NAXOS; PALMOPLANTAR KERATODERMA WITH ARRHYTHMOGENIC RIGHT VENTRICULAR CARDIOMYOPATHY AND WOOLLY HAIR; WOOLLY HAIR, PALMOPLANTAR KERATODERMA, AND CARDIAC ABNORMALITIES; CARDIOMYOPATHY, ARRHYTHMOGENIC RIGHT VENTRICULAR, WITH SKIN, HAIR, AND NAIL ABNORMALITIES. Identifiers: Orphanet 34217, MedGen C1832600, MONDO:0011017, OMIM 601214.
Arrhythmogenic right ventricular dysplasia 12. Also called: ARRHYTHMOGENIC RIGHT VENTRICULAR DYSPLASIA, FAMILIAL, 12. Identifiers: MedGen C1969081, MONDO:0012684, OMIM 611528.

Allele frequency attached by ClinVar (database versions not stated): gnomAD exomes 0.00001 and 0.00002; ExAC 0.00002; gnomAD 0.00005; TOPMed 0.00007.
gnomAD v4.1: 41 of 1,613,218 alleles (0.0025%); highest among the groups gnomAD compares: African/African-American, 0.012%; no homozygotes.

Submissions (3):

CeGaT Center for Human Genetics Tuebingen
Classification: Likely benign. Last evaluated: 2025-10-01. Review status: criteria provided, single submitter. Criteria: CeGaT Center For Human Genetics Tuebingen Variant Classification Criteria Version 2. Collection method: clinical testing. Allele origin: germline. Affected: yes. Observed: 1 variant allele.
Comment: JUP: BP4, BP7

Labcorp Genetics (formerly Invitae), Labcorp
Classification: Likely benign for Arrhythmogenic right ventricular dysplasia 12; Naxos disease. Last evaluated: 2025-08-12. Review status: criteria provided, single submitter. Criteria: Invitae Variant Classification Sherloc (09022015). Collection method: clinical testing. Allele origin: germline.

Ambry Genetics
Classification: Likely benign for Cardiovascular phenotype. Last evaluated: 2019-05-01. Review status: criteria provided, single submitter. Criteria: Ambry Variant Classification Scheme 2023. Collection method: clinical testing. Allele origin: germline.